The following is an entry in ClinVar:

ClinVar aggregate classification (germline): Likely pathogenic (1 of 4 stars; one submission).

Conditions:
Spinal muscular atrophy (SMA). Identifiers: MedGen C0026847, MeSH D009134, MONDO:0001516, HP:0007269.

Submission:

Labcorp Genetics (formerly Invitae), Labcorp
Classification: Likely pathogenic for Spinal muscular atrophy. Last evaluated: 2019-12-13. Review status: criteria provided, single submitter. Criteria: Invitae Variant Classification Sherloc (09022015). Collection method: clinical testing. Allele origin: germline.
Comment: In summary, the currently available evidence indicates that the variant is pathogenic, but additional data are needed to prove that conclusively. Therefore, this variant has been classified as Likely Pathogenic. Nucleotide substitutions within the consensus splice site are a relatively common cause of aberrant splicing (PMID: 17576681, 9536098). Experimental studies have shown that this variant disrupts mRNA splicing (PMID: 7813012). This variant has been observed in individual(s) with clinical features of spinal muscular atrophy (PMID: 7813012, Invitae). In at least one individual the data is consistent with the variant being in trans (on the opposite chromosome) from a pathogenic variant. This sequence change falls in intron 7 of the SMN1 gene. It does not directly change the encoded amino acid sequence of the SMN1 protein, but it affects a nucleotide within the consensus splice site of the intron.

Literature cited by the submitters: PubMed 17576681; PubMed 9536098; PubMed 7813012.

NM_000344.4(SMN1):c.835-18_835-12del

Gene: SMN1 (survival of motor neuron 1, telomeric). Cytogenetic location: 5q13.2.
Variant type: Deletion.
Coding change: c.835-18_835-12del on transcript NM_000344.4 (MANE Select); 18 bases into the intron before coding-DNA position 835 through 12 bases into the intron before coding-DNA position 835, this stretch deleted.
Molecular consequence: intron variant.
Genome position: GRCh38 VCF-style: chr5-70951921-TTCCTTTA-T. GRCh37 (hg19) VCF-style: chr5-70247748-TTCCTTTA-T.
Other names: c.835-516_835-510del (NM_001297715.1); c.739-18_739-12del (NM_022874.2).
Identifiers: ClinVar variation 2203655 (VCV002203655.4), dbSNP rs2532151486, ClinGen allele CA2580073393.